The following is an entry in ClinVar:

NM_173628.4(DNAH17):c.12998C>T (p.Thr4333Met)

Gene: DNAH17 (dynein axonemal heavy chain 17; minus strand). Cytogenetic location: 17q25.3.
Variant type: single nucleotide variant.
Coding change: c.12998C>T on transcript NM_173628.4 (MANE Select); coding-DNA position 12998, C replaced by T.
Protein change: p.Thr4333Met; replaces threonine 4333 with methionine.
Molecular consequence: missense variant.
Genome position (GRCh38, 1-based): chr17:78,425,489, G>A on the plus strand (C>T on the coding strand, the complement: DNAH17 is on the minus strand). VCF-style: chr17-78425489-G-A. GRCh37 (hg19) VCF-style: chr17-76421570-G-A.
Other names: c.12998C>T (NM_173628.3); short protein forms T4333M.
Identifiers: ClinVar variation 3025960 (VCV003025960.22), dbSNP rs1004148752, ClinGen allele CA294365336.

ClinVar aggregate classification (germline): Uncertain significance. Review status: criteria provided, multiple submitters, no conflicts (2 of 4 stars). 2 submissions from 2 submitters: Uncertain significance (2). Last evaluated 2026-02-24.

Conditions:
Inborn genetic diseases. Identifiers: MedGen C0950123, MeSH D030342.

Allele frequency attached by ClinVar (database versions not stated): TOPMed below 0.00001; gnomAD 0.00001; gnomAD exomes 0.00002.
gnomAD v4.1: 36 of 1,613,850 alleles (0.0022%); highest among the groups gnomAD compares: Non-Finnish European, 0.0028%; no homozygotes.

Submissions (2):

Ambry Genetics
Classification: Uncertain significance for Inborn genetic diseases. Last evaluated: 2026-02-24. Review status: criteria provided, single submitter. Criteria: Ambry Variant Classification Scheme 2023. Collection method: clinical testing. Allele origin: germline.

CeGaT Center for Human Genetics Tuebingen
Classification: Uncertain significance. Last evaluated: 2023-12-01. Review status: criteria provided, single submitter. Criteria: CeGaT Center For Human Genetics Tuebingen Variant Classification Criteria Version 2. Collection method: clinical testing. Allele origin: germline. Affected: yes. Observed: 1 variant allele.
Comment: DNAH17: PM2